The following is an entry in ClinVar:

ClinVar aggregate classification (germline): Uncertain significance (1 of 4 stars; one submission).

Submission:

Labcorp Genetics (formerly Invitae), Labcorp
Classification: Uncertain significance. Last evaluated: 2022-10-26. Review status: criteria provided, single submitter. Criteria: Invitae Variant Classification Sherloc (09022015). Collection method: clinical testing. Allele origin: germline.
Comment: This sequence change replaces aspartic acid, which is acidic and polar, with asparagine, which is neutral and polar, at codon 32 of the DVL3 protein (p.Asp32Asn). This variant is present in population databases (rs769526852, gnomAD 0.0009%). This variant has not been reported in the literature in individuals affected with DVL3-related conditions. Advanced modeling of protein sequence and biophysical properties (such as structural, functional, and spatial information, amino acid conservation, physicochemical variation, residue mobility, and thermodynamic stability) performed at Invitae indicates that this missense variant is expected to disrupt DVL3 protein function. In summary, the available evidence is currently insufficient to determine the role of this variant in disease. Therefore, it has been classified as a Variant of Uncertain Significance.

NM_004423.4(DVL3):c.94G>A (p.Asp32Asn)

Gene: DVL3 (dishevelled segment polarity protein 3; plus strand). Cytogenetic location: 3q27.1.
Variant type: single nucleotide variant.
Coding change: c.94G>A on transcript NM_004423.4 (MANE Select); coding-DNA position 94, G replaced by A.
Protein change: p.Asp32Asn; replaces aspartic acid 32 with asparagine.
Molecular consequence: missense variant.
Genome position (GRCh38, 1-based): chr3:184,155,729, G>A. VCF-style: chr3-184155729-G-A. GRCh37 (hg19) VCF-style: chr3-183873517-G-A.
Other names: short protein forms D32N.
Identifiers: ClinVar variation 1917138 (VCV001917138.5), dbSNP rs769526852, ClinGen allele CA2726964.